The following is an entry in ClinVar:

ClinVar aggregate classification (germline): Pathogenic (1 of 4 stars; one submission).

Conditions:
Fumarase deficiency (FMRD). Also called: Fumarate Hydratase Deficiency; Fumaric aciduria. Identifiers: Orphanet 24, MedGen C0342770, MONDO:0011730, OMIM 606812.

Submission:

Labcorp Genetics (formerly Invitae), Labcorp
Classification: Pathogenic for Fumarase deficiency. Last evaluated: 2019-09-23. Review status: criteria provided, single submitter. Criteria: Invitae Variant Classification Sherloc (09022015). Collection method: clinical testing. Allele origin: germline.
Comment: A gross deletion of the genomic region encompassing the full coding sequence of the FH gene has been identified. The boundaries of this event are unknown as the deletion extends beyond the assayed region for this gene and therefore may encompass additional genes. This variant has been observed in several families affected with hereditary leiomyomatosis and renal cell carcinoma (HLRCC) syndrome (PMID: 11865300, 28300276, 21398687, 12761039) and in a family affected with fumarate deficiency (PMID: 22069215). Loss-of-function variants in FH are known to be pathogenic (PMID: 11865300, 21398687). For these reasons, this variant has been classified as Pathogenic.

Literature cited by the submitters: PubMed 22069215; PubMed 28300276; PubMed 12761039; PubMed 11865300; PubMed 21398687.

NC_000001.10:g.(?_241661128)_(242034263_?)del

Genes: OPN3 (opsin 3; minus strand), CHML (CHM like Rab escort protein; minus strand), EXO1 (exonuclease 1; plus strand), FH (fumarate hydratase; minus strand), KMO (kynurenine 3-monooxygenase; plus strand) and 1 more. Cytogenetic location: 1q43.
Variant type: Deletion.
Identifiers: ClinVar variation 831850 (VCV000831850.1).